The following is an entry in ClinVar:

NM_000286.3(PEX12):c.895A>T (p.Lys299Ter)

Gene: PEX12 (peroxisomal biogenesis factor 12; minus strand). Cytogenetic location: 17q12.
Variant type: single nucleotide variant.
Coding change: c.895A>T on transcript NM_000286.3 (MANE Select); coding-DNA position 895, A replaced by T.
Protein change: p.Lys299Ter; replaces lysine 299 with a stop codon.
Molecular consequence: nonsense.
Genome position (GRCh38, 1-based): chr17:35,575,967, T>A on the plus strand (A>T on the coding strand, the complement: PEX12 is on the minus strand). VCF-style: chr17-35575967-T-A. GRCh37 (hg19) VCF-style: chr17-33902986-T-A.
Other names: short protein forms K299*.
Identifiers: ClinVar variation 1070935 (VCV001070935.10), dbSNP rs2142228982, ClinGen allele CA399137150.

ClinVar aggregate classification (germline): Pathogenic (1 of 4 stars; one submission).

Conditions:
Peroxisome biogenesis disorder 3A (Zellweger). Also called: PEROXISOMAL BIOGENESIS DISORDER 3A (ZELLWEGER); Peroxisome biogenesis disorder 3A. Identifiers: Orphanet 912, MedGen C3553929, MONDO:0013927, OMIM 614859.

Submission:

Labcorp Genetics (formerly Invitae), Labcorp
Classification: Pathogenic for Peroxisome biogenesis disorder 3A (Zellweger). Last evaluated: 2022-05-31. Review status: criteria provided, single submitter. Criteria: Invitae Variant Classification Sherloc (09022015). Collection method: clinical testing. Allele origin: germline.
Comment: This sequence change creates a premature translational stop signal (p.Lys299*) in the PEX12 gene. While this is not anticipated to result in nonsense mediated decay, it is expected to disrupt the last 61 amino acid(s) of the PEX12 protein. This variant is not present in population databases (gnomAD no frequency). This variant has not been reported in the literature in individuals affected with PEX12-related conditions. ClinVar contains an entry for this variant (Variation ID: 1070935). This variant disrupts a region of the PEX12 protein in which other variant(s) (p.Gln337*) have been determined to be pathogenic (Invitae). This suggests that this is a clinically significant region of the protein, and that variants that disrupt it are likely to be disease-causing. For these reasons, this variant has been classified as Pathogenic.